The following is an entry in ClinVar:

ClinVar aggregate classification (germline): Pathogenic. Review status: criteria provided, multiple submitters, no conflicts (2 of 4 stars). 8 submissions from 8 submitters: Pathogenic (4). 4 of the submissions do not count toward it. Last evaluated 2025-03-04.

Conditions:
Early-infantile DEE. Also called: Ohtahara syndrome; Early infantile epileptic encephalopathy with suppression bursts; Early infantile epileptic encephalopathy. Identifiers: Orphanet 1934, MedGen C0393706, MONDO:0800491.
Severe intellectual deficiency.
Developmental and epileptic encephalopathy, 7 (DEE7). Also called: KCNQ2-Related Neonatal-Onset Developmental and Epileptic Encephalopathy (NEO-DEE); KCNQ2-Related Neonatal Epileptic Encephalopathy; Early infantile epileptic encephalopathy 7. Identifiers: Orphanet 439218, MedGen C3150986, MONDO:0013387, OMIM 613720.

Submissions (14):

Institute of Human Genetics, University of Leipzig Medical Center
Classification: Pathogenic for Developmental and epileptic encephalopathy, 7. Last evaluated: 2025-03-04. Review status: criteria provided, single submitter. Criteria: ACMG Guidelines, 2015. Collection method: clinical testing. Allele origin: de novo. Inheritance: Autosomal dominant inheritance. Affected: yes.
Comment: Criteria applied: PS2_VSTR,PS4,PM1,PM5,PS3_SUP,PM2,PP3

GeneDx
Classification: Pathogenic. Last evaluated: 2024-03-27. Review status: criteria provided, single submitter. Criteria: GeneDx Variant Classification Process June 2021. Collection method: clinical testing. Allele origin: germline. Affected: yes.
Comment: Published functional studies demonstrate R201H stabilized the activated state of the channel producing a gain-of-function effect (PMID: 25740509); Not observed at significant frequency in large population cohorts (gnomAD); This variant is associated with the following publications: (PMID: 27535030, 23708187, 27030113, 25880994, 28139826, 28867141, 29190809, 31440721, 35982159, 33057194, 25740509, 24107868, 35104249)

CeGaT Center for Human Genetics Tuebingen
Classification: Pathogenic. Last evaluated: 2021-04-01. Review status: criteria provided, single submitter. Criteria: CeGaT Center For Human Genetics Tuebingen Variant Classification Criteria Version 2. Collection method: clinical testing. Allele origin: germline. Affected: yes. Observed: 1 variant allele.

Labcorp Genetics (formerly Invitae), Labcorp
Classification: Pathogenic for Early-infantile DEE. Last evaluated: 2018-08-01. Review status: criteria provided, single submitter. Criteria: Invitae Variant Classification Sherloc (09022015). Collection method: clinical testing. Allele origin: germline.
Comment: Experimental studies have shown that this missense change results in a protein that has a significant increase in current density and loss of voltage-dependent gating (PMID: 25740509) This variant has been reported to be de novo in several individuals affected with early infantile epileptic encephalopathy (PMID: 23708187, 25880994, 29190809, 28139826). ClinVar contains an entry for this variant (Variation ID: 369753). This variant is not present in population databases (ExAC no frequency). This sequence change replaces arginine with histidine at codon 201 of the KCNQ2 protein (p.Arg201His). The arginine residue is highly conserved and there is a small physicochemical difference between arginine and histidine. The p.Arg201 amino acid residue in KCNQ2 has been determined to be clinically significant (PMID: 28139826, 27535030, 28867141). This suggests that variants that disrupt this residue are likely to be causative of disease. For these reasons, this variant has been classified as Pathogenic.

Channelopathy-Associated Epilepsy Research Center
No classification provided (evidence only). Condition: Complex neurodevelopmental disorder. Review status: no classification provided. Collection method: literature only. Allele origin: not applicable. Functional consequence: Normal peak current, Severe slowing of activation, Severe hyperpolarizing shift of voltage dependence of activation. Not counted in ClinVar's aggregate classification.
ClinVar note: "not provided" was previously submitted as the classification for the variant. However, the classification appeared to be based only on an observation of functional data so it was converted to no classification on 2025-07-30.

Channelopathy-Associated Epilepsy Research Center
No classification provided (evidence only). Review status: no classification provided. Collection method: in vitro. Allele origin: not applicable. Functional consequence: Increase in peak current. Not counted in ClinVar's aggregate classification.

Channelopathy-Associated Epilepsy Research Center
No classification provided (evidence only). Review status: no classification provided. Collection method: in vitro. Allele origin: not applicable. Functional consequence: Increase in peak current. Not counted in ClinVar's aggregate classification.

Channelopathy-Associated Epilepsy Research Center
No classification provided (evidence only). Review status: no classification provided. Collection method: in vitro. Allele origin: not applicable. Functional consequence: Hyperpolarizing shift of voltage dependence of activation. Not counted in ClinVar's aggregate classification.

Channelopathy-Associated Epilepsy Research Center
No classification provided (evidence only). Review status: no classification provided. Collection method: in vitro. Allele origin: not applicable. Functional consequence: Normal slope of activation. Not counted in ClinVar's aggregate classification.

Channelopathy-Associated Epilepsy Research Center
No classification provided (evidence only). Review status: no classification provided. Collection method: in vitro. Allele origin: not applicable. Functional consequence: Slowing of activation. Not counted in ClinVar's aggregate classification.

GeneReviews
No classification provided. Condition: Developmental and epileptic encephalopathy, 7. Review status: no classification provided. Collection method: literature only. Allele origin: germline. Affected: yes. Not counted in ClinVar's aggregate classification.
Comment: EE (epileptic encephalopathy)

Genome Diagnostics Laboratory, University Medical Center Utrecht
Classification: Pathogenic. Review status: no assertion criteria provided. Collection method: clinical testing. Allele origin: germline. Affected: yes. Study: VKGL Data-share Consensus. Not counted in ClinVar's aggregate classification.

Joint Genome Diagnostic Labs from Nijmegen and Maastricht, Radboudumc and MUMC+
Classification: Pathogenic. Review status: no assertion criteria provided. Collection method: clinical testing. Allele origin: germline. Affected: yes. Study: VKGL Data-share Consensus. Not counted in ClinVar's aggregate classification.

Laboratory of Molecular Genetics, CHU Rennes
Classification: Likely pathogenic for Severe intellectual deficiency. Review status: no assertion criteria provided. Collection method: clinical testing. Allele origin: de novo. Affected: yes. Not counted in ClinVar's aggregate classification.

Literature cited by the submitters: PubMed 25740509 (cited by Labcorp Genetics (formerly Invitae), Labcorp); PubMed 23708187 (cited by Labcorp Genetics (formerly Invitae), Labcorp and GeneReviews); PubMed 25880994 (cited by Labcorp Genetics (formerly Invitae), Labcorp); PubMed 29190809 (cited by Labcorp Genetics (formerly Invitae), Labcorp); PubMed 28139826 (cited by Labcorp Genetics (formerly Invitae), Labcorp); PubMed 27535030 (cited by Labcorp Genetics (formerly Invitae), Labcorp); PubMed 28867141 (cited by Labcorp Genetics (formerly Invitae), Labcorp); PubMed 35104249 (cited by Channelopathy-Associated Epilepsy Research Center); NCBI Bookshelf NBK32534 (cited by GeneReviews).

NM_172107.4(KCNQ2):c.602G>A (p.Arg201His)

Gene: KCNQ2 (potassium voltage-gated channel subfamily Q member 2; minus strand). Cytogenetic location: 20q13.33.
Variant type: single nucleotide variant.
Coding change: c.602G>A on transcript NM_172107.4 (MANE Select); coding-DNA position 602, G replaced by A.
Protein change: p.Arg201His; replaces arginine 201 with histidine.
Molecular consequence: missense variant.
Genome position (GRCh38, 1-based): chr20:63,444,747, C>T on the plus strand (G>A on the coding strand, the complement: KCNQ2 is on the minus strand). VCF-style: chr20-63444747-C-T. GRCh37 (hg19) VCF-style: chr20-62076100-C-T.
Other names: c.602G>A, p.Arg201His (NM_004518.6, NM_172106.3, NM_172108.5 and 1 more transcripts); short protein forms R201H.
Identifiers: ClinVar variation 369753 (VCV000369753.55), dbSNP rs1057516085, ClinGen allele CA10654826.